The following is an entry in ClinVar:

ClinVar aggregate classification (germline): Uncertain significance. Review status: criteria provided, multiple submitters, no conflicts (2 of 4 stars). 2 submissions from 2 submitters: Uncertain significance (2). Last evaluated 2020-11-26.

Conditions:
Familial cancer of breast. Also called: BREAST CANCER, FAMILIAL; Hereditary breast cancer; hereditary breast carcinoma. Identifiers: Orphanet 227535, MedGen C0346153, MONDO:0016419, OMIM 114480. Disease mechanism: loss of function.
Hereditary cancer-predisposing syndrome. Also called: Neoplastic Syndromes, Hereditary; Tumor predisposition; Hereditary neoplastic syndrome; Hereditary Cancer Syndrome. Identifiers: Orphanet 140162, MedGen C0027672, MeSH D009386, MONDO:0015356.

Submissions (2):

Labcorp Genetics (formerly Invitae), Labcorp
Classification: Uncertain significance for Familial cancer of breast. Last evaluated: 2020-11-26. Review status: criteria provided, single submitter. Criteria: Invitae Variant Classification Sherloc (09022015). Collection method: clinical testing. Allele origin: germline.
Comment: This sequence change replaces aspartic acid with histidine at codon 208 of the PALB2 protein (p.Asp208His). The aspartic acid residue is moderately conserved and there is a moderate physicochemical difference between aspartic acid and histidine. This variant is not present in population databases (ExAC no frequency). In summary, the available evidence is currently insufficient to determine the role of this variant in disease. Therefore, it has been classified as a Variant of Uncertain Significance. Algorithms developed to predict the effect of missense changes on protein structure and function output the following: SIFT: "Tolerated"; PolyPhen-2: "Benign"; Align-GVGD: "Class C0". The histidine amino acid residue is found in multiple mammalian species, suggesting that this missense change does not adversely affect protein function. These predictions have not been confirmed by published functional studies and their clinical significance is uncertain. This variant has not been reported in the literature in individuals with PALB2-related conditions. ClinVar contains an entry for this variant (Variation ID: 826260).

Ambry Genetics
Classification: Uncertain significance for Hereditary cancer-predisposing syndrome. Last evaluated: 2018-07-18. Review status: criteria provided, single submitter. Criteria: Ambry Variant Classification Scheme 2023. Collection method: clinical testing. Allele origin: germline.
Comment: The p.D208H variant (also known as c.622G>C), located in coding exon 4 of the PALB2 gene, results from a G to C substitution at nucleotide position 622. The aspartic acid at codon 208 is replaced by histidine, an amino acid with similar properties. This amino acid position is not well conserved in available vertebrate species. In addition, this alteration is predicted to be tolerated by in silico analysis. Since supporting evidence is limited at this time, the clinical significance of this alteration remains unclear.

NM_024675.4(PALB2):c.622G>C (p.Asp208His)

Gene: PALB2 (partner and localizer of BRCA2; minus strand). Cytogenetic location: 16p12.2.
Variant type: single nucleotide variant.
Coding change: c.622G>C on transcript NM_024675.4 (MANE Select); coding-DNA position 622, G replaced by C.
Protein change: p.Asp208His; replaces aspartic acid 208 with histidine.
Molecular consequence: missense variant.
Genome position (GRCh38, 1-based): chr16:23,635,924, C>G on the plus strand (G>C on the coding strand, the complement: PALB2 is on the minus strand). VCF-style: chr16-23635924-C-G. GRCh37 (hg19) VCF-style: chr16-23647245-C-G.
Other names: short protein forms D208H.
Identifiers: ClinVar variation 826260 (VCV000826260.13), dbSNP rs1597098746, ClinGen allele CA395136614.